The following is an entry in ClinVar:

NM_018896.5(CACNA1G):c.2924G>A (p.Arg975Gln)

Gene: CACNA1G (calcium voltage-gated channel subunit alpha1 G; plus strand). Cytogenetic location: 17q21.33.
Variant type: single nucleotide variant.
Coding change: c.2924G>A on transcript NM_018896.5 (MANE Select); coding-DNA position 2924, G replaced by A.
Protein change: p.Arg975Gln; replaces arginine 975 with glutamine.
Molecular consequence: missense variant. On other transcripts: non-coding transcript variant (3), intron variant (8).
Genome position (GRCh38, 1-based): chr17:50,595,006, G>A. VCF-style: chr17-50595006-G-A. GRCh37 (hg19) VCF-style: chr17-48672367-G-A.
Other names: c.2924G>A, p.Arg975Gln (NM_001256324.2, NM_001256325.2, NM_001256326.2 and 16 more transcripts); c.2911-1556G>A (NM_198396.3, NM_198379.3, NM_198387.3 and 5 more transcripts); short protein forms R975Q.
Identifiers: ClinVar variation 2396375 (VCV002396375.3), dbSNP rs756134256, ClinGen allele CA8652559.

ClinVar aggregate classification (germline): Uncertain significance (1 of 4 stars; one submission).

Conditions:
Inborn genetic diseases. Identifiers: MedGen C0950123, MeSH D030342.

Allele frequency attached by ClinVar (database versions not stated): gnomAD 0.00005; gnomAD exomes 0.00004; TOPMed 0.00004; ExAC 0.00005.

Submission:

Ambry Genetics
Classification: Uncertain significance for Inborn genetic diseases. Last evaluated: 2026-06-24. Review status: criteria provided, single submitter. Criteria: Ambry Variant Classification Scheme 2023. Collection method: clinical testing. Allele origin: germline.
Comment: The c.2924G>A (p.R975Q) alteration is located in exon 14 (coding exon 14) of the CACNA1G gene. This alteration results from a G to A substitution at nucleotide position 2924, causing the arginine (R) at amino acid position 975 to be replaced by a glutamine (Q). Based on data from gnomAD, the A allele has an overall frequency of 0.005% (9/194966) total alleles studied. The highest observed frequency was 0.01% (2/19812) of European (Finnish) alleles. Based on insufficient or conflicting evidence, the clinical significance of this alteration remains unclear.